The following is an entry in ClinVar:

ClinVar aggregate classification (germline): Likely pathogenic (1 of 4 stars; one submission).

Conditions:
Lamellar ichthyosis. Identifiers: Orphanet 313, MedGen C5848247, MONDO:0017778.

Submission:

Women's Health and Genetics/Laboratory Corporation of America, LabCorp
Classification: Likely pathogenic for Lamellar ichthyosis. Last evaluated: 2025-02-28. Review status: criteria provided, single submitter. Criteria: LabCorp Variant Classification Summary - May 2015. Collection method: clinical testing. Allele origin: germline.
Comment: Variant summary: ALOX12B c.1990G>C (p.Ala664Pro) results in a non-conservative amino acid change located in the Lipoxygenase iron-binding catalytic domain profile (IPR013819) of the encoded protein sequence. Three of five in-silico tools predict a benign effect of the variant on protein function. The variant was absent in 251214 control chromosomes. c.1990G>C has been reported in the literature in individuals affected with Lamellar Ichthyosis (Eckl_2005). These data indicate that the variant may be associated with disease. At least one publication reports experimental evidence evaluating an impact on protein function. The most pronounced variant effect results in <10% of normal activity (Eckl_2005). The following publication have been ascertained in the context of this evaluation (PMID: 16116617). No submitters have cited clinical-significance assessments for this variant to ClinVar. Based on the evidence outlined above, the variant was classified as likely pathogenic.

Literature cited by the submitters: PubMed 16116617.

NM_001139.3(ALOX12B):c.1990G>C (p.Ala664Pro)

Gene: ALOX12B (arachidonate 12-lipoxygenase, 12R type; minus strand). Cytogenetic location: 17p13.1.
Variant type: single nucleotide variant.
Coding change: c.1990G>C on transcript NM_001139.3 (MANE Select); coding-DNA position 1990, G replaced by C.
Protein change: p.Ala664Pro; replaces alanine 664 with proline.
Molecular consequence: missense variant.
Genome position (GRCh38, 1-based): chr17:8,072,887, C>G on the plus strand (G>C on the coding strand, the complement: ALOX12B is on the minus strand). VCF-style: chr17-8072887-C-G. GRCh37 (hg19) VCF-style: chr17-7976205-C-G.
Other names: short protein forms A664P.
Identifiers: ClinVar variation 3768680 (VCV003768680.1).